The following is an entry in ClinVar:

NM_023110.3(FGFR1):c.381T>G (p.Asp127Glu)

Gene: FGFR1 (fibroblast growth factor receptor 1; minus strand). Cytogenetic location: 8p11.23.
Variant type: single nucleotide variant.
Coding change: c.381T>G on transcript NM_023110.3 (MANE Select); coding-DNA position 381, T replaced by G.
Protein change: p.Asp127Glu; replaces aspartic acid 127 with glutamic acid.
Molecular consequence: missense variant.
Genome position (GRCh38, 1-based): chr8:38,428,413, A>C on the plus strand (T>G on the coding strand, the complement: FGFR1 is on the minus strand). VCF-style: chr8-38428413-A-C. GRCh37 (hg19) VCF-style: chr8-38285931-A-C.
Other names: c.381T>G, p.Asp127Glu (NM_001174063.2, NM_001174065.2, NM_001354367.2 and 2 more transcripts); c.357T>G, p.Asp119Glu (NM_001174064.2); c.114T>G, p.Asp38Glu (NM_023106.3, NM_001174066.2, NM_001354368.2 and 2 more transcripts); c.480T>G, p.Asp160Glu (NM_001174067.2); short protein forms D119E, D160E, D38E, D127E.
Identifiers: ClinVar variation 1429876 (VCV001429876.10), dbSNP rs750795714, ClinGen allele CA4718765.

ClinVar aggregate classification (germline): Uncertain significance. Review status: criteria provided, multiple submitters, no conflicts (2 of 4 stars). 3 submissions from 3 submitters: Uncertain significance (3). Last evaluated 2024-03-07.

Conditions:
Hartsfield-Bixler-Demyer syndrome (HRTFDS). Also called: FGFR1-Related Hartsfield Syndrome; Holoprosencephaly, ectrodactyly, and bilateral cleft lip/palate; Hartsfield syndrome. Identifiers: Orphanet 2117, MedGen C1845146, MONDO:0014196, OMIM 615465. Disease mechanism: loss of function.
Jackson-Weiss syndrome (JWS). Also called: CRANIOSYNOSTOSIS, MIDFACIAL HYPOPLASIA, AND FOOT ABNORMALITIES. Identifiers: Orphanet 1540, MedGen C0795998, MONDO:0007400, OMIM 123150. Disease mechanism: loss of function.
Trigonocephaly 1 (TRIGNO1). Identifiers: Orphanet 3366, MedGen C0432122, MONDO:0008603, OMIM 190440.
Hypogonadotropic hypogonadism 2 with or without anosmia (HH2). Also called: FGFR1-Related GnRH Deficiency (Kallmann Syndrome 2); HYPOGONADOTROPIC HYPOGONADISM 2 WITH OR WITHOUT ANOSMIA, SUSCEPTIBILITY TO; HYPOGONADOTROPIC HYPOGONADISM 2 WITHOUT ANOSMIA, SUSCEPTIBILITY TO; HYPOGONADOTROPIC HYPOGONADISM 2 WITHOUT ANOSMIA. Identifiers: Orphanet 478, MedGen C1563720, MONDO:0007844, OMIM 147950. Disease mechanism: loss of function.
Encephalocraniocutaneous lipomatosis (ECCL). Identifiers: Orphanet 2396, MedGen C0406612, MONDO:0013074, OMIM 613001.
Pfeiffer syndrome (ACS5). Also called: ACS V. Identifiers: Orphanet 710, MedGen C0220658, MONDO:0007043, OMIM 101600.
Osteoglophonic dysplasia (OGD). Also called: Osteoglophonic dwarfism. Identifiers: Orphanet 2645, MedGen C0432283, MONDO:0008150, OMIM 166250.

Allele frequency attached by ClinVar (database versions not stated): gnomAD 0.00001; gnomAD exomes 0.00001 and 0.00002; TOPMed 0.00001; ExAC 0.00002.
gnomAD v4.1: 24 of 1,613,034 alleles (0.0015%); highest among the groups gnomAD compares: Non-Finnish European, 0.0019%; no homozygotes.

Submissions (3):

Fulgent Genetics
Classification: Uncertain significance for Pfeiffer syndrome; Jackson-Weiss syndrome; Hypogonadotropic hypogonadism 2 with or without anosmia; Osteoglophonic dysplasia; Trigonocephaly 1; Encephalocraniocutaneous lipomatosis; Hartsfield-Bixler-Demyer syndrome. Last evaluated: 2024-03-07. Review status: criteria provided, single submitter. Criteria: ACMG Guidelines, 2015. Collection method: clinical testing. Allele origin: germline.

Labcorp Genetics (formerly Invitae), Labcorp
Classification: Uncertain significance for Pfeiffer syndrome; Hypogonadotropic hypogonadism 2 with or without anosmia. Last evaluated: 2022-07-12. Review status: criteria provided, single submitter. Criteria: Invitae Variant Classification Sherloc (09022015). Collection method: clinical testing. Allele origin: germline.
Comment: This variant has not been reported in the literature in individuals affected with FGFR1-related conditions. This sequence change replaces aspartic acid, which is acidic and polar, with glutamic acid, which is acidic and polar, at codon 127 of the FGFR1 protein (p.Asp127Glu). This variant is present in population databases (rs750795714, gnomAD 0.003%). ClinVar contains an entry for this variant (Variation ID: 1429876). Algorithms developed to predict the effect of missense changes on protein structure and function (SIFT, PolyPhen-2, Align-GVGD) all suggest that this variant is likely to be tolerated. In summary, the available evidence is currently insufficient to determine the role of this variant in disease. Therefore, it has been classified as a Variant of Uncertain Significance.

Neuberg Centre For Genomic Medicine, NCGM
Classification: Uncertain significance for Hartsfield-Bixler-Demyer syndrome. Review status: criteria provided, single submitter. Criteria: ACMG Guidelines, 2015. Collection method: clinical testing. Allele origin: germline. Inheritance: Autosomal dominant inheritance. Affected: yes.